The following is an entry in ClinVar:

ClinVar aggregate classification (germline): Likely pathogenic (1 of 4 stars; one submission).

Conditions:
Dilated cardiomyopathy 1G (CMD1G). Identifiers: Orphanet 154, MedGen C1858763, MONDO:0011400, OMIM 604145.
Autosomal recessive limb-girdle muscular dystrophy type 2J (LGMDR10). Also called: Limb-girdle muscular dystrophy, type 2J; MUSCULAR DYSTROPHY, LIMB-GIRDLE, AUTOSOMAL RECESSIVE 10. Identifiers: Orphanet 140922, MedGen C1837342, MONDO:0012127, OMIM 608807.

gnomAD v4.1: 1 of 1,591,516 alleles (0.000063%); highest among the groups gnomAD compares: Non-Finnish European, 0.000085%; no homozygotes.

Submission:

Labcorp Genetics (formerly Invitae), Labcorp
Classification: Likely pathogenic for Dilated cardiomyopathy 1G; Autosomal recessive limb-girdle muscular dystrophy type 2J. Last evaluated: 2019-03-29. Review status: criteria provided, single submitter. Criteria: Invitae Variant Classification Sherloc (09022015). Collection method: clinical testing. Allele origin: germline.
Comment: This variant has not been reported in the literature in individuals with TTN-related conditions. In summary, the currently available evidence indicates that the variant is pathogenic, but additional data are needed to prove that conclusively. Therefore, this variant has been classified as Likely Pathogenic. This variant is located in the A band of TTN (PMID: 25589632). Truncating variants in this region are significantly overrepresented in patients affected with dilated cardiomyopathy (PMID: 25589632). Truncating variants in this region have also been reported in individuals affected with autosomal recessive centronuclear myopathy (PMID: 23975875). This variant is not present in population databases (ExAC no frequency). This sequence change affects a donor splice site in intron 286 of the TTN gene. It is expected to disrupt RNA splicing and likely results in an absent or disrupted protein product. While this is not anticipated to result in nonsense mediated decay, it is expected to create a truncated TTN protein.

Literature cited by the submitters: PubMed 25589632; PubMed 23975875.

NM_001267550.2(TTN):c.55432+1G>A

Genes: TTN-AS1 (TTN antisense RNA 1; plus strand), TTN (titin; minus strand). Cytogenetic location: 2q31.2.
Variant type: single nucleotide variant.
Coding change: c.55432+1G>A on transcript NM_001267550.2 (MANE Select); the canonical splice donor site of the intron after coding-DNA position 55432, G replaced by A.
Molecular consequence: splice donor variant.
Genome position (GRCh38, 1-based): chr2:178,601,657, C>T on the plus strand (G>A on the coding strand, the complement: TTN is on the minus strand). VCF-style: chr2-178601657-C-T. GRCh37 (hg19) VCF-style: chr2-179466384-C-T.
Other names: c.28237+1G>A (NM_003319.4); c.28813+1G>A (NM_133437.4); c.28612+1G>A (NM_133432.3); c.47728+1G>A (NM_133378.4); c.50509+1G>A (NM_001256850.1).
Identifiers: ClinVar variation 862487 (VCV000862487.10), dbSNP rs2053485503, ClinGen allele CA349541402.